The following is an entry in ClinVar:

ClinVar aggregate classification (germline): Likely pathogenic (1 of 4 stars; one submission).

Conditions:
PMM2-congenital disorder of glycosylation. Also called: PMM2-CDG; CDG Ia; JAEKEN SYNDROME; PHOSPHOMANNOMUTASE 2 DEFICIENCY; CARBOHYDRATE-DEFICIENT GLYCOPROTEIN SYNDROME, TYPE Ia; Congenital disorder of glycosylation, type Ia. Identifiers: Orphanet 79318, MedGen C0349653, MONDO:0008907, OMIM 212065.

Submission:

Labcorp Genetics (formerly Invitae), Labcorp
Classification: Likely pathogenic for PMM2-congenital disorder of glycosylation. Last evaluated: 2022-11-29. Review status: criteria provided, single submitter. Criteria: Invitae Variant Classification Sherloc (09022015). Collection method: clinical testing. Allele origin: germline.
Comment: This variant is not present in population databases (gnomAD no frequency). This variant has not been reported in the literature in individuals affected with PMM2-related conditions. Advanced modeling of protein sequence and biophysical properties (such as structural, functional, and spatial information, amino acid conservation, physicochemical variation, residue mobility, and thermodynamic stability) performed at Invitae indicates that this missense variant is expected to disrupt PMM2 protein function. This variant disrupts the p.Gly228 amino acid residue in PMM2. Other variant(s) that disrupt this residue have been determined to be pathogenic (PMID: 10527672, 11058895, 23045520, 25192236, 28425223). This suggests that this residue is clinically significant, and that variants that disrupt this residue are likely to be disease-causing. In summary, the currently available evidence indicates that the variant is pathogenic, but additional data are needed to prove that conclusively. Therefore, this variant has been classified as Likely Pathogenic. This sequence change replaces glycine, which is neutral and non-polar, with serine, which is neutral and polar, at codon 228 of the PMM2 protein (p.Gly228Ser).

Literature cited by the submitters: PubMed 10527672; PubMed 11058895; PubMed 23045520; PubMed 25192236; PubMed 28425223.

NM_000303.3(PMM2):c.682G>A (p.Gly228Ser)

Gene: PMM2 (phosphomannomutase 2; plus strand). Cytogenetic location: 16p13.2.
Variant type: single nucleotide variant.
Coding change: c.682G>A on transcript NM_000303.3 (MANE Select); coding-DNA position 682, G replaced by A.
Protein change: p.Gly228Ser; replaces glycine 228 with serine.
Molecular consequence: missense variant.
Genome position (GRCh38, 1-based): chr16:8,847,766, G>A. VCF-style: chr16-8847766-G-A. GRCh37 (hg19) VCF-style: chr16-8941623-G-A.
Other names: short protein forms G228S.
Identifiers: ClinVar variation 2846077 (VCV002846077.3), dbSNP rs558826439, ClinGen allele CA394689528.